The following is an entry in ClinVar:

ClinVar aggregate classification (germline): Uncertain significance (1 of 4 stars; one submission).

Conditions:
Rhabdoid tumor predisposition syndrome 2 (RTPS2). Identifiers: Orphanet 231108, Orphanet 69077, MedGen C2750074, MONDO:0013224, OMIM 613325.

Submission:

Labcorp Genetics (formerly Invitae), Labcorp
Classification: Uncertain significance for Rhabdoid tumor predisposition syndrome 2. Last evaluated: 2019-05-14. Review status: criteria provided, single submitter. Criteria: Invitae Variant Classification Sherloc (09022015). Collection method: clinical testing. Allele origin: germline.
Comment: This variant results in a copy number gain of the genomic region encompassing exons 14-36 of the SMARCA4 gene. The 5' boundary is likely confined to intron 14. The 3' end of this event is unknown as it extends beyond the assayed region for this gene and therefore may encompass additional genes. As the precise location of this event is unknown, it may be in tandem or it may be located elsewhere in the genome. This variant has not been reported in the literature in individuals with SMARCA4-related conditions. In summary, the available evidence is currently insufficient to determine the role of this variant in disease. Therefore, it has been classified as a Variant of Uncertain Significance.

NC_000019.10:g.(?_11007892)_(11061826_?)dup

Gene: SMARCA4 (SWI/SNF related BAF chromatin remodeling complex subunit ATPase 4; plus strand). Cytogenetic location: 19p13.2.
Variant type: Duplication.
Identifiers: ClinVar variation 832235 (VCV000832235.1).